The following is an entry in ClinVar:

NM_001242896.3(DEPDC5):c.4370T>G (p.Phe1457Cys)

Gene: DEPDC5 (DEP domain containing 5, GATOR1 subcomplex subunit; plus strand). Cytogenetic location: 22q12.3.
Variant type: single nucleotide variant.
Coding change: c.4370T>G on transcript NM_001242896.3 (MANE Select); coding-DNA position 4370, T replaced by G.
Protein change: p.Phe1457Cys; replaces phenylalanine 1457 with cysteine.
Molecular consequence: missense variant. On other transcripts: non-coding transcript variant (5).
Genome position (GRCh38, 1-based): chr22:31,897,648, T>G. VCF-style: chr22-31897648-T-G. GRCh37 (hg19) VCF-style: chr22-32293634-T-G.
Other names: c.4343T>G, p.Phe1448Cys (NM_001136029.4); c.4070T>G, p.Phe1357Cys (NM_001242897.2); c.4304T>G, p.Phe1435Cys (NM_001363852.2, NM_001364320.2); c.4136T>G, p.Phe1379Cys (NM_001363854.2, NM_001364319.2); c.4370T>G, p.Phe1457Cys (NM_001364318.2); c.4286T>G, p.Phe1429Cys (NM_001369901.1, NM_001369902.1); c.4277T>G, p.Phe1426Cys (NM_001369903.1, NM_014662.6); short protein forms F1379C, F1435C, F1426C, F1429C, F1457C, F1357C, F1448C.
Identifiers: ClinVar variation 1481147 (VCV001481147.9), dbSNP rs2093577056, ClinGen allele CA411289248.
Genomic context (GRCh38, chr22:31,897,648, plus strand): 5'-CCCAGCTCTTCATCCCACTCAACATCAGCTGCTTGCTCAAGGAGGGCAGCGAGCACCTGT[T>G]TGATAGTAAGAAATATTCCCTTCTGGAGGTTGTCTCAACCAGTAAGACCCCGTCCCTAAC-3'
Protein context (NP_001229825.1, residues 1447-1467): CLLKEGSEHL[Phe1457Cys]DSFEPETYWD

ClinVar aggregate classification (germline): Uncertain significance. Review status: criteria provided, multiple submitters, no conflicts (2 of 4 stars). 2 submissions from 2 submitters: Uncertain significance (2). Last evaluated 2025-03-30.

Conditions:
Familial focal epilepsy with variable foci (FPEVF). Identifiers: Orphanet 98820, MedGen C1858477, MONDO:0020310.

Allele frequency attached by ClinVar (database versions not stated): gnomAD exomes below 0.00001.
gnomAD v4.1: 1 of 1,613,836 alleles (0.000062%); highest among the groups gnomAD compares: Non-Finnish European, 0.000085%; no homozygotes.

Submissions (2):

Labcorp Genetics (formerly Invitae), Labcorp
Classification: Uncertain significance for Familial focal epilepsy with variable foci. Last evaluated: 2025-03-30. Review status: criteria provided, single submitter. Criteria: Invitae Variant Classification Sherloc (09022015). Collection method: clinical testing. Allele origin: germline.
Comment: This sequence change replaces phenylalanine, which is neutral and non-polar, with cysteine, which is neutral and slightly polar, at codon 1457 of the DEPDC5 protein (p.Phe1457Cys). This variant is not present in population databases (gnomAD no frequency). This variant has not been reported in the literature in individuals affected with DEPDC5-related conditions. ClinVar contains an entry for this variant (Variation ID: 1481147). Experimental studies and prediction algorithms are not available or were not evaluated, and the functional significance of this variant is currently unknown. In summary, the available evidence is currently insufficient to determine the role of this variant in disease. Therefore, it has been classified as a Variant of Uncertain Significance.

Blueprint Genetics
Classification: Uncertain significance. Last evaluated: 2024-09-13. Review status: criteria provided, single submitter. Criteria: ACMG Guidelines, 2015. Collection method: clinical testing. Allele origin: germline.